The following is an entry in ClinVar:

ClinVar aggregate classification (germline): Uncertain significance (1 of 4 stars; one submission).

Conditions:
Hereditary cancer-predisposing syndrome. Also called: Neoplastic Syndromes, Hereditary; Tumor predisposition; Hereditary Cancer Syndrome; Hereditary neoplastic syndrome. Identifiers: Orphanet 140162, MedGen C0027672, MeSH D009386, MONDO:0015356.

Submission:

Ambry Genetics
Classification: Uncertain significance for Hereditary cancer-predisposing syndrome. Last evaluated: 2022-10-15. Review status: criteria provided, single submitter. Criteria: Ambry Variant Classification Scheme 2023. Collection method: clinical testing. Allele origin: germline.
Comment: The p.S579C variant (also known as c.1735A>T), located in coding exon 13 of the TSC1 gene, results from an A to T substitution at nucleotide position 1735. The serine at codon 579 is replaced by cysteine, an amino acid with dissimilar properties. This amino acid position is conserved. In addition, this alteration is predicted to be tolerated by in silico analysis. Since supporting evidence is limited at this time, the clinical significance of this alteration remains unclear.

NM_000368.5(TSC1):c.1735A>T (p.Ser579Cys)

Gene: TSC1 (TSC complex subunit 1; minus strand). Cytogenetic location: 9q34.13.
Variant type: single nucleotide variant.
Coding change: c.1735A>T on transcript NM_000368.5 (MANE Select); coding-DNA position 1735, A replaced by T.
Protein change: p.Ser579Cys; replaces serine 579 with cysteine.
Molecular consequence: missense variant.
Genome position (GRCh38, 1-based): chr9:132,905,843, T>A on the plus strand (A>T on the coding strand, the complement: TSC1 is on the minus strand). VCF-style: chr9-132905843-T-A. GRCh37 (hg19) VCF-style: chr9-135781230-T-A.
Other names: c.1732A>T, p.Ser578Cys (NM_001162426.2, NM_001406597.1, NM_001406598.1 and 6 more transcripts); c.1582A>T, p.Ser528Cys (NM_001162427.2, NM_001406610.1); c.1372A>T, p.Ser458Cys (NM_001362177.2, NM_001406614.1, NM_001406615.1 and 5 more transcripts); c.1735A>T, p.Ser579Cys (NM_001406592.1, NM_001406593.1, NM_001406594.1 and 7 more transcripts); c.1579A>T, p.Ser527Cys (NM_001406611.1, NM_001406612.1, NM_001406613.1); c.1369A>T, p.Ser457Cys (NM_001406620.1, NM_001406621.1, NM_001406622.1 and 2 more transcripts); c.784A>T, p.Ser262Cys (NM_001406626.1); c.781A>T, p.Ser261Cys (NM_001406627.1, NM_001406628.1); and 1 more; short protein forms S261C, S457C, S458C, S578C, S527C, S528C, S228C, S262C.
Identifiers: ClinVar variation 1779054 (VCV001779054.2), dbSNP rs1845629411, ClinGen allele CA375363900.